The following is an entry in ClinVar:

NM_030665.4(RAI1):c.5398G>A (p.Asp1800Asn)

Gene: RAI1 (retinoic acid induced 1; plus strand). Cytogenetic location: 17p11.2.
Variant type: single nucleotide variant.
Coding change: c.5398G>A on transcript NM_030665.4 (MANE Select); coding-DNA position 5398, G replaced by A.
Protein change: p.Asp1800Asn; replaces aspartic acid 1800 with asparagine.
Molecular consequence: missense variant.
Genome position (GRCh38, 1-based): chr17:17,798,346, G>A. VCF-style: chr17-17798346-G-A. GRCh37 (hg19) VCF-style: chr17-17701660-G-A.
Other names: c.5398G>A (NM_030665.3); short protein forms D1800N.
Identifiers: ClinVar variation 1419823 (VCV001419823.9), dbSNP rs777865239, ClinGen allele CA8419149.

ClinVar aggregate classification (germline): Benign/Likely benign. Review status: criteria provided, multiple submitters, no conflicts (2 of 4 stars). 3 submissions from 3 submitters: Benign (1); Likely benign (1). 1 of the submissions does not count toward it. Last evaluated 2025-05-16.

Conditions:
Inborn genetic diseases. Identifiers: MedGen C0950123, MeSH D030342.
RAI1-related disorder. Also called: RAI1-related condition.

Allele frequency attached by ClinVar (database versions not stated): gnomAD 0.00003 and 0.00004.
gnomAD v4.1: 47 of 1,603,458 alleles (0.0029%); highest among the groups gnomAD compares: Admixed American, 0.034%; no homozygotes.

Submissions (3):

Labcorp Genetics (formerly Invitae), Labcorp
Classification: Benign. Last evaluated: 2025-05-16. Review status: criteria provided, single submitter. Criteria: Invitae Variant Classification Sherloc (09022015). Collection method: clinical testing. Allele origin: germline.

Ambry Genetics
Classification: Likely benign for Inborn genetic diseases. Last evaluated: 2025-04-04. Review status: criteria provided, single submitter. Criteria: Ambry Variant Classification Scheme 2023. Collection method: clinical testing. Allele origin: germline.

PreventionGenetics, part of Exact Sciences
Classification: Likely benign for RAI1-related condition. Last evaluated: 2021-09-23. Review status: no assertion criteria provided. Collection method: clinical testing. Allele origin: germline. Not counted in ClinVar's aggregate classification.
Comment: This variant is classified as likely benign based on ACMG/AMP sequence variant interpretation guidelines (Richards et al. 2015 PMID: 25741868, with internal and published modifications).